The following is an entry in ClinVar:

ClinVar aggregate classification (germline): Benign (1 of 4 stars; one submission).

Conditions:
Sessile serrated polyposis cancer syndrome (SSPCS). Identifiers: Orphanet 157798, MedGen C4310714, MONDO:0014919, OMIM 617108.

Submission:

Myriad Genetics, Inc.
Classification: Benign for Sessile serrated polyposis cancer syndrome. Last evaluated: 2026-06-29. Review status: criteria provided, single submitter. Criteria: Myriad Autosomal Dominant, Autosomal Recessive and X-Linked Classification Criteria (2023). Collection method: clinical testing. Allele origin: unknown.
Comment: This variant is considered benign. This variant is a silent/synonymous amino acid change and it is not expected to impact splicing.

NM_017763.6(RNF43):c.270G>A (p.Leu90=)

Gene: RNF43 (ring finger protein 43; minus strand). Cytogenetic location: 17q22.
Variant type: single nucleotide variant.
Coding change: c.270G>A on transcript NM_017763.6 (MANE Select); coding-DNA position 270, G replaced by A.
Protein change: p.Leu90=; no amino-acid change (leucine 90 retained).
Molecular consequence: synonymous variant. On other transcripts: 5 prime UTR variant (2).
Genome position (GRCh38, 1-based): chr17:58,371,016, C>T on the plus strand (G>A on the coding strand, the complement: RNF43 is on the minus strand). VCF-style: chr17-58371016-C-T. GRCh37 (hg19) VCF-style: chr17-56448377-C-T.
Other names: c.270G>A, p.Leu90= (NM_001305544.3, NM_001438820.1, NM_001438821.1 and 1 more transcripts); c.-112G>A (NM_001305545.2, NM_001437987.1).
Identifiers: ClinVar variation 4875802 (VCV004875802.1).